The following is an entry in ClinVar:

NM_016169.4(SUFU):c.166G>T (p.Ala56Ser)

Gene: SUFU (SUFU negative regulator of hedgehog signaling; plus strand). Cytogenetic location: 10q24.32.
Variant type: single nucleotide variant.
Coding change: c.166G>T on transcript NM_016169.4 (MANE Select); coding-DNA position 166, G replaced by T.
Protein change: p.Ala56Ser; replaces alanine 56 with serine.
Molecular consequence: missense variant.
Genome position (GRCh38, 1-based): chr10:102,504,318, G>T. VCF-style: chr10-102504318-G-T. GRCh37 (hg19) VCF-style: chr10-104264075-G-T.
Other names: c.166G>T, p.Ala56Ser (NM_001178133.2); short protein forms A56S.
Identifiers: ClinVar variation 565556 (VCV000565556.25), dbSNP rs200061483, ClinGen allele CA212238201.
Genomic context (GRCh38, chr10:102,504,318, plus strand): 5'-GCCATCTACGGAGAGTGCCGCCGCCTTTACCCTGACCAGCCGAACCCGCTCCAGGTTACC[G>T]CTATCGTCAAGTACTGGTATGCTCTGGGCCGCGGGGAGACGGACAGGCGCGGGCTGGAAA-3'
Protein context (NP_057253.2, residues 46-66): PDQPNPLQVT[Ala56Ser]IVKYWLGGPD

ClinVar aggregate classification (germline): Uncertain significance. Review status: criteria provided, multiple submitters, no conflicts (2 of 4 stars). 5 submissions from 5 submitters: Uncertain significance (5). Last evaluated 2026-01-25.

Conditions:
Medulloblastoma (MDB). Also called: Medulloblastoma, somatic; MEDULLOBLASTOMA PREDISPOSITION SYNDROME. Identifiers: Orphanet 616, MedGen C0025149, MeSH D008527, MONDO:0007959, OMIM 155255, HP:0002885.
Gorlin syndrome. Also called: Basal cell nevus syndrome; Nevoid Basal Cell Carcinoma Syndrome. Identifiers: Orphanet 377, MedGen C0004779, MONDO:0007187.
Hereditary cancer-predisposing syndrome. Also called: Tumor predisposition; Hereditary Cancer Syndrome; Hereditary neoplastic syndrome; Neoplastic Syndromes, Hereditary. Identifiers: Orphanet 140162, MedGen C0027672, MeSH D009386, MONDO:0015356.

Allele frequency attached by ClinVar (database versions not stated): gnomAD exomes below 0.00001; gnomAD 0.00001; TOPMed 0.00001.
gnomAD v4.1: 2 of 1,613,810 alleles (0.00012%); highest among the groups gnomAD compares: Non-Finnish European, 0.00017%; no homozygotes.

Submissions (5):

Labcorp Genetics (formerly Invitae), Labcorp
Classification: Uncertain significance for Gorlin syndrome; Medulloblastoma. Last evaluated: 2026-01-25. Review status: criteria provided, single submitter. Criteria: Invitae Variant Classification Sherloc (09022015). Collection method: clinical testing. Allele origin: germline.
Comment: This sequence change replaces alanine, which is neutral and non-polar, with serine, which is neutral and polar, at codon 56 of the SUFU protein (p.Ala56Ser). This variant is not present in population databases (gnomAD no frequency). This variant has not been reported in the literature in individuals affected with SUFU-related conditions. ClinVar contains an entry for this variant (Variation ID: 565556). Invitae Evidence Modeling of protein sequence and biophysical properties (such as structural, functional, and spatial information, amino acid conservation, physicochemical variation, residue mobility, and thermodynamic stability) has been performed for this missense variant. However, the output from this modeling did not meet the statistical confidence thresholds required to predict the impact of this variant on SUFU protein function. In summary, the available evidence is currently insufficient to determine the role of this variant in disease. Therefore, it has been classified as a Variant of Uncertain Significance.

CeGaT Center for Human Genetics Tuebingen
Classification: Uncertain significance. Last evaluated: 2025-11-01. Review status: criteria provided, single submitter. Criteria: CeGaT Center For Human Genetics Tuebingen Variant Classification Criteria Version 2. Collection method: clinical testing. Allele origin: germline. Affected: yes. Observed: 1 variant allele.
Comment: SUFU: PM2:Supporting, PP2

GeneDx
Classification: Uncertain significance. Last evaluated: 2023-08-02. Review status: criteria provided, single submitter. Criteria: GeneDx Variant Classification Process June 2021. Collection method: clinical testing. Allele origin: germline. Affected: yes.
Comment: Not observed at significant frequency in large population cohorts (gnomAD); In silico analysis supports that this missense variant does not alter protein structure/function; Has not been previously published as pathogenic or benign to our knowledge; This variant is associated with the following publications: (PMID: 24311597)

Ambry Genetics
Classification: Uncertain significance for Hereditary cancer-predisposing syndrome. Last evaluated: 2023-05-26. Review status: criteria provided, single submitter. Criteria: Ambry Variant Classification Scheme 2023. Collection method: clinical testing. Allele origin: germline.
Comment: The p.A56S variant (also known as c.166G>T), located in coding exon 1 of the SUFU gene, results from a G to T substitution at nucleotide position 166. The alanine at codon 56 is replaced by serine, an amino acid with similar properties. This amino acid position is highly conserved in available vertebrate species. In addition, the in silico prediction for this alteration is inconclusive. Since supporting evidence is limited at this time, the clinical significance of this alteration remains unclear.

Quest Diagnostics Nichols Institute San Juan Capistrano
Classification: Uncertain significance. Last evaluated: 2023-02-23. Review status: criteria provided, single submitter. Criteria: Quest Diagnostics criteria. Collection method: clinical testing. Allele origin: unknown.
Comment: The variant has not been reported in the published literature. It also has not been reported in large, multi-ethnic general populations. Analysis of this variant using bioinformatics tools for the prediction of the effect of amino acid changes on protein structure and function yielded conflicting predictions that this variant is deleterious or benign. Based on the available information, we are unable to determine the clinical significance of this variant.